The following is an entry in ClinVar:

ClinVar aggregate classification (germline): Uncertain significance (1 of 4 stars; one submission).

Submission:

GeneDx
Classification: Uncertain significance. Last evaluated: 2022-07-22. Review status: criteria provided, single submitter. Criteria: GeneDx Variant Classification Process June 2021. Collection method: clinical testing. Allele origin: germline. Affected: yes.
Comment: Not observed at significant frequency in large population cohorts (gnomAD); In silico analysis supports that this missense variant does not alter protein structure/function; Has not been previously published as pathogenic or benign to our knowledge

NM_001830.4(CLCN4):c.2119C>A (p.His707Asn)

Gene: CLCN4 (chloride voltage-gated channel 4; plus strand). Cytogenetic location: Xp22.2.
Variant type: single nucleotide variant.
Coding change: c.2119C>A on transcript NM_001830.4 (MANE Select); coding-DNA position 2119, C replaced by A.
Protein change: p.His707Asn; replaces histidine 707 with asparagine.
Molecular consequence: missense variant.
Genome position (GRCh38, 1-based): chrX:10,220,804, C>A. VCF-style: chrX-10220804-C-A. GRCh37 (hg19) VCF-style: chrX-10188844-C-A.
Other names: c.1837C>A, p.His613Asn (NM_001256944.2); short protein forms H707N, H613N.
Identifiers: ClinVar variation 2136276 (VCV002136276.1), dbSNP rs2518893112, ClinGen allele CA412044691.